The following is an entry in ClinVar:

ClinVar aggregate classification (germline): Pathogenic. Review status: criteria provided, multiple submitters, no conflicts (2 of 4 stars). 2 submissions from 2 submitters: Pathogenic (2). Last evaluated 2026-04-10.

Conditions:
Ellis-van Creveld syndrome (EVC). Also called: MESOECTODERMAL DYSPLASIA; Chondroectodermal dysplasia. Identifiers: Orphanet 289, MedGen C0013903, MONDO:0009162, OMIM 225500.
Curry-Hall syndrome (WAD). Also called: WEYERS ACRODENTAL DYSOSTOSIS. Identifiers: Orphanet 952, MedGen C0457013, MONDO:0008673, OMIM 193530.

Submissions (2):

Myriad Genetics, Inc.
Classification: Pathogenic for Ellis-van Creveld syndrome. Last evaluated: 2026-04-10. Review status: criteria provided, single submitter. Criteria: Myriad Autosomal Dominant, Autosomal Recessive and X-Linked Classification Criteria (2023). Collection method: clinical testing. Allele origin: unknown.
Comment: NM_147127.4(EVC2):c.2893_2894delCA(Q965Vfs*38) is a frameshift variant classified as pathogenic in the context of EVC2-related Ellis-van Creveld syndrome. Q965Vfs*38 has not been observed in cases with relevant disease. Relevant functional assessments of this variant are not available in the literature. Q965Vfs*38 has not been observed in referenced population frequency databases. In summary, NM_147127.4(EVC2):c.2893_2894delCA(Q965Vfs*38) is a frameshift variant in a gene where loss of function is a known mechanism of disease and is predicted to disrupt protein function. Please note: this variant was assessed in the context of healthy population screening.

Labcorp Genetics (formerly Invitae), Labcorp
Classification: Pathogenic for Curry-Hall syndrome; Ellis-van Creveld syndrome. Last evaluated: 2023-10-06. Review status: criteria provided, single submitter. Criteria: Invitae Variant Classification Sherloc (09022015). Collection method: clinical testing. Allele origin: germline.
Comment: This sequence change creates a premature translational stop signal (p.Gln965Valfs*38) in the EVC2 gene. It is expected to result in an absent or disrupted protein product. Loss-of-function variants in EVC2 are known to be pathogenic (PMID: 17024374, 19810119, 19876929). This variant is not present in population databases (gnomAD no frequency). This variant has not been reported in the literature in individuals affected with EVC2-related conditions. For these reasons, this variant has been classified as Pathogenic.

Literature cited by the submitters: PubMed 17024374 (cited by Labcorp Genetics (formerly Invitae), Labcorp); PubMed 19810119 (cited by Labcorp Genetics (formerly Invitae), Labcorp); PubMed 19876929 (cited by Labcorp Genetics (formerly Invitae), Labcorp).

NM_147127.5(EVC2):c.2893_2894del (p.Gln965fs)

Gene: EVC2 (EvC ciliary complex subunit 2; minus strand). Cytogenetic location: 4p16.2.
Variant type: Microsatellite.
Coding change: c.2893_2894del on transcript NM_147127.5 (MANE Select); coding-DNA positions 2893 to 2894, 2 bases deleted (CA; older notation c.2893_2894delCA).
Protein change: p.Gln965fs; shifts the reading frame from glutamine 965.
Molecular consequence: frameshift variant.
Genome position (GRCh38, 1-based): chr4:5,584,786-5,584,787, TG deleted on the plus strand (CA on the coding strand, the reverse complement: EVC2 is on the minus strand); deleting any 2 consecutive bases within chr4:5,584,786-5,584,789 gives the same sequence; the c. name uses the placement nearest the transcript's 3' end. VCF-style (leftmost placement, unchanged base first): chr4-5584785-CTG-C. GRCh37 (hg19) VCF-style: chr4-5586512-CTG-C.
Other names: c.2653_2654del, p.Gln885fs (NM_001166136.2); short protein forms Q885fs, Q965fs.
Identifiers: ClinVar variation 2936926 (VCV002936926.4), dbSNP rs2475236297, ClinGen allele CA2578032709.
Genomic context (GRCh38, chr4:5,584,785, plus strand): 5'-GTAGGCCGACAGAGTCTCGGTCACCCGGGACGCCTTCTGGAACTGCAGAGCAACAAGCGA[CTG>C]TGCAAAGCCTCCCTCCTGTGCCTCCATCCGCTGCACTCTCTCCCGCAGCAATTCACCTCG-3'